The following is an entry in ClinVar:

ClinVar aggregate classification (germline): Uncertain significance (1 of 4 stars; one submission).

Conditions:
Vissers-Bodmer syndrome. Identifiers: MedGen C5436647, MONDO:0033618, OMIM 619033.

Allele frequency attached by ClinVar (database versions not stated): gnomAD exomes below 0.00001 and 0.00002; ExAC 0.00001; gnomAD 0.00001.
gnomAD v4.1: 34 of 1,613,584 alleles (0.0021%); highest among the groups gnomAD compares: Non-Finnish European, 0.0028%; no homozygotes.

Submission:

Victorian Clinical Genetics Services, Murdoch Childrens Research Institute
Classification: Uncertain significance for Vissers-Bodmer syndrome. Last evaluated: 2022-06-24. Review status: criteria provided, single submitter. Criteria: ACMG Guidelines, 2015. Collection method: clinical testing. Allele origin: germline. Inheritance: Autosomal dominant inheritance. Affected: yes.
Comment: Based on the classification scheme VCGS_Germline_v1.3.4, this variant is classified as VUS-3B. Following criteria are met: 0102 - Loss of function is a known mechanism of disease in this gene and is associated with Vissers-Bodmer syndrome (MIM#619033). (I) 0107 - This gene is associated with autosomal dominant disease. (I) 0115 - Variants in this gene are known to have variable expressivity (PMID: 32553196). (I) 0200 - Variant is predicted to result in a missense amino acid change from glutamine to proline. (I) 0251 - This variant is heterozygous. (I) 0302 - Variant is present in gnomAD (v2) <0.001 for a dominant condition (1 heterozygote, 0 homozygotes). (SP) 0502 - Missense variant with conflicting in silico predictions and high conservation. (I) 0604 - Variant is not located in an established domain, motif, hotspot or informative constraint region. (I) 0705 - No comparable missense variants have previous evidence for pathogenicity. (I) 0807 - This variant has no previous evidence of pathogenicity. (I) 0905 - No published segregation evidence has been identified for this variant. (I) 1007 - No published functional evidence has been identified for this variant. (I) 1208 - Inheritance information for this variant is not currently available in this individual. (I) Legend: (SP) - Supporting pathogenic, (I) - Information, (SB) - Supporting benign

Literature cited by the submitters: PubMed 32553196.

NM_016284.5(CNOT1):c.2129A>C (p.Gln710Pro)

Gene: CNOT1 (CCR4-NOT transcription complex subunit 1; minus strand). Cytogenetic location: 16q21.
Variant type: single nucleotide variant.
Coding change: c.2129A>C on transcript NM_016284.5 (MANE Select); coding-DNA position 2129, A replaced by C.
Protein change: p.Gln710Pro; replaces glutamine 710 with proline.
Molecular consequence: missense variant. On other transcripts: non-coding transcript variant (1).
Genome position (GRCh38, 1-based): chr16:58,560,213, T>G on the plus strand (A>C on the coding strand, the complement: CNOT1 is on the minus strand). VCF-style: chr16-58560213-T-G. GRCh37 (hg19) VCF-style: chr16-58594117-T-G.
Other names: c.2129A>C, p.Gln710Pro (NM_001265612.2, NM_206999.3); short protein forms Q710P.
Identifiers: ClinVar variation 1699364 (VCV001699364.3), dbSNP rs770253714, ClinGen allele CA8089761.